The following is an entry in ClinVar:

NM_177438.3(DICER1):c.4763dup (p.Lys1589fs)

Gene: DICER1 (dicer 1, ribonuclease III; minus strand). Cytogenetic location: 14q32.13.
Variant type: Duplication.
Coding change: c.4763dup on transcript NM_177438.3 (MANE Select); coding-DNA position 4763, one base duplicated (T; older notation c.4763dupT).
Protein change: p.Lys1589fs; shifts the reading frame from lysine 1589.
Molecular consequence: frameshift variant.
Genome position (GRCh38, 1-based): chr14:95,096,157, A duplicated on the plus strand (T on the coding strand, the reverse complement: DICER1 is on the minus strand). VCF-style (leftmost placement, unchanged base first): chr14-95096156-C-CA. GRCh37 (hg19) VCF-style: chr14-95562493-C-CA.
Other names: c.4763dup, p.Lys1589fs (NM_001195573.1, NM_001271282.3, NM_001291628.2 and 1 more transcripts); short protein forms K1589fs.
Identifiers: ClinVar variation 1076550 (VCV001076550.8), dbSNP rs2139843944, ClinGen allele CA2499222797.

ClinVar aggregate classification (germline): Pathogenic (1 of 4 stars; one submission).

Conditions:
DICER1-related tumor predisposition. Also called: DICER1 syndrome; DICER1-related pleuropulmonary blastoma cancer predisposition syndrome. Identifiers: Orphanet 284343, MedGen C3839822, MONDO:0100216.

Submission:

Labcorp Genetics (formerly Invitae), Labcorp
Classification: Pathogenic for DICER1-related tumor predisposition. Last evaluated: 2020-04-26. Review status: criteria provided, single submitter. Criteria: Invitae Variant Classification Sherloc (09022015). Collection method: clinical testing. Allele origin: germline.
Comment: This variant has not been reported in the literature in individuals with DICER1-related conditions. This variant is not present in population databases (ExAC no frequency). This sequence change creates a premature translational stop signal (p.Lys1589Glufs*7) in the DICER1 gene. It is expected to result in an absent or disrupted protein product. Loss-of-function variants in DICER1 are known to be pathogenic (PMID: 19556464, 21266384). For these reasons, this variant has been classified as Pathogenic.

Literature cited by the submitters: PubMed 19556464; PubMed 21266384.